The following is an entry in ClinVar:

ClinVar aggregate classification (germline): Uncertain significance (1 of 4 stars; one submission).

Submission:

GeneDx
Classification: Uncertain significance. Last evaluated: 2022-03-16. Review status: criteria provided, single submitter. Criteria: GeneDx Variant Classification Process June 2021. Collection method: clinical testing. Allele origin: germline. Affected: yes.
Comment: Not observed at significant frequency in large population cohorts (gnomAD); In silico analysis supports that this missense variant does not alter protein structure/function; Has not been previously published as pathogenic or benign to our knowledge

NM_001282531.3(ADNP):c.1768C>G (p.Pro590Ala)

Gene: ADNP (activity dependent neuroprotector homeobox; minus strand). Cytogenetic location: 20q13.13.
Variant type: single nucleotide variant.
Coding change: c.1768C>G on transcript NM_001282531.3 (MANE Select); coding-DNA position 1768, C replaced by G.
Protein change: p.Pro590Ala; replaces proline 590 with alanine.
Molecular consequence: missense variant.
Genome position (GRCh38, 1-based): chr20:50,892,946, G>C on the plus strand (C>G on the coding strand, the complement: ADNP is on the minus strand). VCF-style: chr20-50892946-G-C. GRCh37 (hg19) VCF-style: chr20-49509483-G-C.
Other names: c.1768C>G, p.Pro590Ala (NM_001282532.2, NM_001347511.2, NM_015339.5 and 1 more transcripts); short protein forms P590A.
Identifiers: ClinVar variation 1706276 (VCV001706276.2), dbSNP rs760374363, ClinGen allele CA408972277.